The following is an entry in ClinVar:

ClinVar aggregate classification (germline): Uncertain significance. Review status: criteria provided, multiple submitters, no conflicts (2 of 4 stars). 2 submissions from 2 submitters: Uncertain significance (2). Last evaluated 2024-01-29.

Conditions:
Inborn genetic diseases. Identifiers: MedGen C0950123, MeSH D030342.
Mevalonic aciduria (MEVA). Identifiers: Orphanet 29, MedGen C1959626, MONDO:0012481, OMIM 610377.
Hyperimmunoglobulin D with periodic fever (HIDS). Also called: HYPERIMMUNOGLOBULINEMIA D AND PERIODIC FEVER SYNDROME; Hyperimmunoglobulinemia D; Hyperimmunoglobulinemia D with periodic fever. Identifiers: Orphanet 343, MedGen C0398691, MONDO:0009849, OMIM 260920.
Porokeratosis 3, disseminated superficial actinic type (POROK3). Also called: POROKERATOSIS 3, MULTIPLE TYPES; POROKERATOSIS 3, MIBELLI TYPE; POROKERATOSIS, DISSEMINATED SUPERFICIAL ACTINIC, 1. Identifiers: MedGen C1867981, MONDO:0008293, OMIM 175900.

Allele frequency attached by ClinVar (database versions not stated): TOPMed 0.00001.

Submissions (2):

Labcorp Genetics (formerly Invitae), Labcorp
Classification: Uncertain significance for Mevalonic aciduria; Hyperimmunoglobulin D with periodic fever; Porokeratosis 3, disseminated superficial actinic type. Last evaluated: 2024-01-29. Review status: criteria provided, single submitter. Criteria: Invitae Variant Classification Sherloc (09022015). Collection method: clinical testing. Allele origin: germline.
Comment: This sequence change replaces alanine, which is neutral and non-polar, with glycine, which is neutral and non-polar, at codon 65 of the MVK protein (p.Ala65Gly). This variant is not present in population databases (gnomAD no frequency). This variant has not been reported in the literature in individuals affected with MVK-related conditions. ClinVar contains an entry for this variant (Variation ID: 2253029). Advanced modeling of protein sequence and biophysical properties (such as structural, functional, and spatial information, amino acid conservation, physicochemical variation, residue mobility, and thermodynamic stability) performed at Invitae indicates that this missense variant is not expected to disrupt MVK protein function with a negative predictive value of 80%. In summary, the available evidence is currently insufficient to determine the role of this variant in disease. Therefore, it has been classified as a Variant of Uncertain Significance.

Ambry Genetics
Classification: Uncertain significance for Inborn genetic diseases. Last evaluated: 2021-10-05. Review status: criteria provided, single submitter. Criteria: Ambry Variant Classification Scheme 2023. Collection method: clinical testing. Allele origin: germline.

NM_000431.4(MVK):c.194C>G (p.Ala65Gly)

Gene: MVK (mevalonate kinase; plus strand). Cytogenetic location: 12q24.11.
Variant type: single nucleotide variant.
Coding change: c.194C>G on transcript NM_000431.4 (MANE Select); coding-DNA position 194, C replaced by G.
Protein change: p.Ala65Gly; replaces alanine 65 with glycine.
Molecular consequence: missense variant.
Genome position (GRCh38, 1-based): chr12:109,576,113, C>G. VCF-style: chr12-109576113-C-G. GRCh37 (hg19) VCF-style: chr12-110013918-C-G.
Other names: c.194C>G, p.Ala65Gly (NM_001114185.3, NM_001301182.2, NM_001414511.1 and 3 more transcripts); c.-389C>G (NM_001414515.1); short protein forms A65G.
Identifiers: ClinVar variation 2253029 (VCV002253029.5), dbSNP rs906775984, ClinGen allele CA243452399.